The following is an entry in ClinVar:

ClinVar aggregate classification (germline): Uncertain significance. Review status: criteria provided, multiple submitters, no conflicts (2 of 4 stars). 2 submissions from 2 submitters: Uncertain significance (2). Last evaluated 2025-12-04.

Conditions:
Combined immunodeficiency due to LRBA deficiency. Also called: Common variable immunodeficiency 8, with autoimmunity. Identifiers: Orphanet 445018, MedGen C3553512, MONDO:0013863, OMIM 614700.
Inborn genetic diseases. Identifiers: MedGen C0950123, MeSH D030342.

Allele frequency attached by ClinVar (database versions not stated): ExAC 0.00001; gnomAD exomes 0.00001 and below 0.00001; gnomAD 0.00001; TOPMed 0.00001.
gnomAD v4.1: 10 of 1,613,510 alleles (0.00062%); highest among the groups gnomAD compares: Non-Finnish European, 0.00085%; no homozygotes.

Submissions (2):

Ambry Genetics
Classification: Uncertain significance for Inborn genetic diseases. Last evaluated: 2025-12-04. Review status: criteria provided, single submitter. Criteria: Ambry Variant Classification Scheme 2023. Collection method: clinical testing. Allele origin: germline.

Labcorp Genetics (formerly Invitae), Labcorp
Classification: Uncertain significance for Combined immunodeficiency due to LRBA deficiency. Last evaluated: 2024-10-07. Review status: criteria provided, single submitter. Criteria: Invitae Variant Classification Sherloc (09022015). Collection method: clinical testing. Allele origin: germline.
Comment: This sequence change replaces glycine, which is neutral and non-polar, with arginine, which is basic and polar, at codon 30 of the LRBA protein (p.Gly30Arg). This variant is present in population databases (rs780927941, gnomAD 0.0009%). This variant has not been reported in the literature in individuals affected with LRBA-related conditions. ClinVar contains an entry for this variant (Variation ID: 1014153). Invitae Evidence Modeling of protein sequence and biophysical properties (such as structural, functional, and spatial information, amino acid conservation, physicochemical variation, residue mobility, and thermodynamic stability) indicates that this missense variant is not expected to disrupt LRBA protein function with a negative predictive value of 80%. In summary, the available evidence is currently insufficient to determine the role of this variant in disease. Therefore, it has been classified as a Variant of Uncertain Significance.

NM_001364905.1(LRBA):c.88G>A (p.Gly30Arg)

Gene: LRBA (LPS responsive beige-like anchor protein; minus strand). Cytogenetic location: 4q31.3.
Variant type: single nucleotide variant.
Coding change: c.88G>A on transcript NM_001364905.1 (MANE Select); coding-DNA position 88, G replaced by A.
Protein change: p.Gly30Arg; replaces glycine 30 with arginine.
Molecular consequence: missense variant.
Genome position (GRCh38, 1-based): chr4:151,014,555, C>T on the plus strand (G>A on the coding strand, the complement: LRBA is on the minus strand). VCF-style: chr4-151014555-C-T. GRCh37 (hg19) VCF-style: chr4-151935707-C-T.
Other names: c.88G>A, p.Gly30Arg (NM_001199282.3, NM_001367550.1, NM_006726.5); short protein forms G30R.
Identifiers: ClinVar variation 1014153 (VCV001014153.8), dbSNP rs780927941, ClinGen allele CA3103973.